The following is an entry in ClinVar:

NM_004612.4(TGFBR1):c.398C>T (p.Pro133Leu)

Gene: TGFBR1 (transforming growth factor beta receptor 1; plus strand). Cytogenetic location: 9q22.33.
Variant type: single nucleotide variant.
Coding change: c.398C>T on transcript NM_004612.4 (MANE Select); coding-DNA position 398, C replaced by T.
Protein change: p.Pro133Leu; replaces proline 133 with leucine.
Molecular consequence: missense variant. On other transcripts: intron variant (1).
Genome position (GRCh38, 1-based): chr9:99,132,563, C>T. VCF-style: chr9-99132563-C-T. GRCh37 (hg19) VCF-style: chr9-101894845-C-T.
Other names: c.410C>T, p.Pro137Leu (NM_001306210.2); c.343+3463C>T (NM_001130916.3); c.398C>T (NM_004612.2); short protein forms P133L, P137L.
Identifiers: ClinVar variation 924183 (VCV000924183.11), dbSNP rs1827269407, ClinGen allele CA374227906.

ClinVar aggregate classification (germline): Uncertain significance. Review status: criteria provided, multiple submitters, no conflicts (2 of 4 stars). 4 submissions from 4 submitters: Uncertain significance (4). Last evaluated 2024-03-06.

Conditions:
Familial thoracic aortic aneurysm and aortic dissection (TAAD). Also called: Thoracic aortic aneurysms and dissections. Identifiers: Orphanet 91387, MedGen C4707243, MONDO:0019625.
Loeys-Dietz syndrome (LDS). Identifiers: Orphanet 60030, MedGen C2697932, MONDO:0018954.

Submissions (4):

Color Diagnostics, LLC DBA Color Health
Classification: Uncertain significance for Familial thoracic aortic aneurysm and aortic dissection. Last evaluated: 2024-03-06. Review status: criteria provided, single submitter. Criteria: ACMG Guidelines, 2015. Collection method: clinical testing. Allele origin: germline.
Comment: This missense variant replaces proline with leucine at codon 133 of the TGFBR1 protein. Computational prediction suggests that this variant may have deleterious impact on protein structure and function (internally defined REVEL score threshold >= 0.7, PMID: 27666373). To our knowledge, functional studies have not been reported for this variant. This variant has not been reported in individuals affected with TGFBR1-related disorders in the literature. This variant has not been identified in the general population by the Genome Aggregation Database (gnomAD). The available evidence is insufficient to determine the role of this variant in disease conclusively. Therefore, this variant is classified as a Variant of Uncertain Significance.

All of Us Research Program, National Institutes of Health
Classification: Uncertain significance for Loeys-Dietz syndrome. Last evaluated: 2023-11-20. Review status: criteria provided, single submitter. Criteria: ACMG Guidelines, 2015. Collection method: clinical testing. Allele origin: germline. Inheritance: Autosomal dominant inheritance. Observed: 1 variant allele, 1 heterozygote.
Comment: This missense variant replaces proline with leucine at codon 133 of the TGFBR1 protein. Computational prediction tools and conservation analyses suggest that this variant may have deleterious impact on the protein function. Computational splicing tools suggest that this variant may not impact RNA splicing. To our knowledge, functional assays have not been performed for this variant nor has this variant been reported in individuals affected with cardiovascular disorders in the literature. This variant has not been identified in the general population by the Genome Aggregation Database (gnomAD). Available evidence is insufficient to determine the role of this variant in disease conclusively. Therefore, this variant is classified as a Variant of Uncertain Significance.

This study involves interpretation of variants in research participants for the purpose of population health screening. Participant phenotype was not available at the time of variant classification. Additional details can be found in publication PMID: 35346344, PMCID: PMC8962531

Labcorp Genetics (formerly Invitae), Labcorp
Classification: Uncertain significance for Familial thoracic aortic aneurysm and aortic dissection. Last evaluated: 2023-01-15. Review status: criteria provided, single submitter. Criteria: Invitae Variant Classification Sherloc (09022015). Collection method: clinical testing. Allele origin: germline.
Comment: This variant is not present in population databases (gnomAD no frequency). This sequence change replaces proline, which is neutral and non-polar, with leucine, which is neutral and non-polar, at codon 133 of the TGFBR1 protein (p.Pro133Leu). This variant has not been reported in the literature in individuals affected with TGFBR1-related conditions. ClinVar contains an entry for this variant (Variation ID: 924183). Advanced modeling of protein sequence and biophysical properties (such as structural, functional, and spatial information, amino acid conservation, physicochemical variation, residue mobility, and thermodynamic stability) performed at Invitae indicates that this missense variant is not expected to disrupt TGFBR1 protein function. In summary, the available evidence is currently insufficient to determine the role of this variant in disease. Therefore, it has been classified as a Variant of Uncertain Significance.

Ambry Genetics
Classification: Uncertain significance for Familial thoracic aortic aneurysm and aortic dissection. Last evaluated: 2022-11-07. Review status: criteria provided, single submitter. Criteria: Ambry Variant Classification Scheme 2023. Collection method: clinical testing. Allele origin: germline.
Comment: The p.P133L variant (also known as c.398C>T), located in coding exon 3 of the TGFBR1 gene, results from a C to T substitution at nucleotide position 398. The proline at codon 133 is replaced by leucine, an amino acid with similar properties. This amino acid position is conserved. In addition, this alteration is predicted to be deleterious by in silico analysis. Since supporting evidence is limited at this time, the clinical significance of this alteration remains unclear.